The following is an entry in ClinVar:

NM_198904.4(GABRG2):c.329_334dup (p.Tyr111_Thr112insLysTyr)

Gene: GABRG2 (gamma-aminobutyric acid type A receptor subunit gamma2; plus strand). Cytogenetic location: 5q34.
Variant type: Duplication.
Coding change: c.329_334dup on transcript NM_198904.4 (MANE Select); coding-DNA positions 329 to 334, 6 bases duplicated (AATACA; older notation c.329_334dupAATACA).
Protein change: p.Tyr111_Thr112insLysTyr.
Molecular consequence: inframe insertion. On other transcripts: intron variant (2).
Genome position (GRCh38, 1-based): chr5:162,097,639-162,097,644, AATACA duplicated. VCF-style (leftmost placement, unchanged base first): chr5-162097638-G-GAATACA. GRCh37 (hg19) VCF-style: chr5-161524644-G-GAATACA.
Other names: c.329_334dup, p.Tyr111_Thr112insLysTyr (NM_000816.3, NM_001375340.1, NM_001375341.1 and 4 more transcripts); c.320_325dup, p.Tyr108_Thr109insLysTyr (NM_001375339.1); c.263_268dup, p.Tyr89_Thr90insLysTyr (NM_001375345.1, NM_001375346.1); c.242_247dup, p.Tyr82_Thr83insLysTyr (NM_001375347.1); c.44_49dup, p.Tyr16_Thr17insLysTyr (NM_001375349.1); c.-31-61_-31-56dup (NM_001375350.1, NM_001375348.1).
Identifiers: ClinVar variation 1304621 (VCV001304621.2), dbSNP rs2113324917, ClinGen allele CA2573052471.

ClinVar aggregate classification (germline): Uncertain significance (1 of 4 stars; one submission).

Submission:

GeneDx
Classification: Uncertain significance. Last evaluated: 2019-04-17. Review status: criteria provided, single submitter. Criteria: GeneDx Variant Classification Process June 2021. Collection method: clinical testing. Allele origin: germline. Affected: yes.
Comment: In-frame insertion of 2 amino acids in a non-repeat region; Not observed in large population cohorts (Lek et al., 2016); Has not been previously published as pathogenic or benign to our knowledge